The following is an entry in ClinVar:

NM_001849.4(COL6A2):c.2182G>A (p.Val728Met)

Gene: COL6A2 (collagen type VI alpha 2 chain; plus strand). Cytogenetic location: 21q22.3.
Variant type: single nucleotide variant.
Coding change: c.2182G>A on transcript NM_001849.4 (MANE Select); coding-DNA position 2182, G replaced by A.
Protein change: p.Val728Met; replaces valine 728 with methionine.
Molecular consequence: missense variant.
Genome position (GRCh38, 1-based): chr21:46,125,997, G>A. VCF-style: chr21-46125997-G-A. GRCh37 (hg19) VCF-style: chr21-47545911-G-A.
Other names: c.2182G>A, p.Val728Met (NM_058174.3, NM_058175.3); short protein forms V728M.
Identifiers: ClinVar variation 282210 (VCV000282210.32), dbSNP rs200585528, ClinGen allele CA10072462.

ClinVar aggregate classification (germline): Conflicting classifications of pathogenicity. Review status: criteria provided, conflicting classifications (1 of 4 stars). 8 submissions from 8 submitters: Uncertain significance (2); Benign (1); Likely benign (3). 2 of the submissions do not count toward it. Last evaluated 2026-01-25.

Conditions:
COL6A2-related disorder.
Collagen 6-related myopathy. Identifiers: MedGen CN117976, MONDO:0100225.
Bethlem myopathy 1A. Also called: Bethlem myopathy 1; MYOPATHY, BENIGN CONGENITAL, WITH CONTRACTURES; Bethlem Muscular Dystrophy. Identifiers: Orphanet 610, MedGen CN029274, MONDO:0024530, OMIM 158810.

Allele frequency attached by ClinVar (database versions not stated): ESP Exome Variant Server 0.00008; 1000 Genomes Project 30x 0.00016; 1000 Genomes Project 0.00020; gnomAD exomes 0.00022 and 0.00043; ExAC 0.00030; TOPMed 0.00044; gnomAD 0.00048 and 0.00051.
gnomAD v4.1: 412 of 1,613,058 alleles (0.026%); highest among the groups gnomAD compares: Middle Eastern, 0.59%; no homozygotes.

Submissions (8):

Labcorp Genetics (formerly Invitae), Labcorp
Classification: Likely benign for Bethlem myopathy 1A. Last evaluated: 2026-01-25. Review status: criteria provided, single submitter. Criteria: Invitae Variant Classification Sherloc (09022015). Collection method: clinical testing. Allele origin: germline.

CeGaT Center for Human Genetics Tuebingen
Classification: Uncertain significance. Last evaluated: 2026-01-01. Review status: criteria provided, single submitter. Criteria: CeGaT Center For Human Genetics Tuebingen Variant Classification Criteria Version 2. Collection method: clinical testing. Allele origin: germline. Affected: yes. Observed: 1 variant allele.

PreventionGenetics, part of Exact Sciences
Classification: Likely benign for COL6A2-related condition. Last evaluated: 2025-10-29. Review status: criteria provided, single submitter. Criteria: ACMG Guidelines, 2015. Collection method: clinical testing. Allele origin: germline.
Comment: This variant is classified as likely benign based on ACMG/AMP sequence variant interpretation guidelines (Richards et al. 2015 PMID: 25741868, with internal and published modifications).

Dubai Health Genomic Medicine Center, Dubai Health
Classification: Likely benign. Last evaluated: 2020-03-19. Review status: criteria provided, single submitter. Criteria: ACMG Guidelines, 2015. Collection method: clinical testing. Allele origin: germline. Affected: yes.

Illumina Laboratory Services, Illumina
Classification: Benign for Collagen VI-related myopathy. Last evaluated: 2018-01-13. Review status: criteria provided, single submitter. Criteria: ICSL Variant Classification Criteria 13 December 2019. Collection method: clinical testing. Allele origin: germline.
Comment: This variant was observed in the ICSL laboratory as part of a predisposition screen in an ostensibly healthy population. It had not been previously curated by ICSL or reported in the Human Gene Mutation Database (HGMD: prior to June 1st, 2018), and was therefore a candidate for classification through an automated scoring system. Utilizing variant allele frequency, disease prevalence and penetrance estimates, and inheritance mode, an automated score was calculated to assess if this variant is too frequent to cause the disease. Based on the score and internal cut-off values, a variant classified as benign is not then subjected to further curation. The score for this variant resulted in a classification of benign for this disease.

Eurofins Ntd Llc (ga)
Classification: Uncertain significance. Last evaluated: 2015-08-04. Review status: criteria provided, single submitter. Criteria: EGL Classification Definitions 2015. Collection method: clinical testing. Allele origin: germline. Observed: 4 variant alleles, 4 heterozygotes.

Clinical Genetics DNA and cytogenetics Diagnostics Lab, Erasmus MC, Erasmus Medical Center
Classification: Uncertain significance. Review status: no assertion criteria provided. Collection method: clinical testing. Allele origin: germline. Affected: yes. Study: VKGL Data-share Consensus. Not counted in ClinVar's aggregate classification.

Diagnostic Laboratory, Department of Genetics, University Medical Center Groningen
Classification: Uncertain significance. Review status: no assertion criteria provided. Collection method: clinical testing. Allele origin: germline. Affected: yes. Study: VKGL Data-share Consensus. Not counted in ClinVar's aggregate classification.